The following is an entry in ClinVar:

ClinVar aggregate classification (germline): Uncertain significance (1 of 4 stars; one submission).

Submission:

GeneDx
Classification: Uncertain significance. Last evaluated: 2018-05-17. Review status: criteria provided, single submitter. Criteria: GeneDx Variant Classification (06012015). Collection method: clinical testing. Allele origin: germline. Affected: yes.
Comment: The E2643K variant in the ANKRD11 gene has not been reported previously as a pathogenic variant, nor as a benign variant, to our knowledge. The E2643K variant is not observed in large population cohorts (Lek et al., 2016; 1000 Genomes Consortium et al., 2015; Exome Variant Server). The E2643K variant is a non-conservative amino acid substitution, which is likely to impact secondary protein structure as these residues differ in polarity, charge, size and/or other properties. This substitution occurs at a position that is conserved across species. In silico analysis predicts this variant is probably damaging to the protein structure/function. We interpret E2643K as a variant of uncertain significance

NM_013275.6(ANKRD11):c.7927G>A (p.Glu2643Lys)

Gene: ANKRD11 (ankyrin repeat domain containing 11; minus strand). Cytogenetic location: 16q24.3.
Variant type: single nucleotide variant.
Coding change: c.7927G>A on transcript NM_013275.6 (MANE Select); coding-DNA position 7927, G replaced by A.
Protein change: p.Glu2643Lys; replaces glutamic acid 2643 with lysine.
Molecular consequence: missense variant.
Genome position (GRCh38, 1-based): chr16:89,268,543, C>T on the plus strand (G>A on the coding strand, the complement: ANKRD11 is on the minus strand). VCF-style: chr16-89268543-C-T. GRCh37 (hg19) VCF-style: chr16-89334951-C-T.
Other names: c.7927G>A, p.Glu2643Lys (NM_001256182.2, NM_001256183.2); short protein forms E2643K.
Identifiers: ClinVar variation 423151 (VCV000423151.2), dbSNP rs1064796264, ClinGen allele CA16620300.